The following is an entry in ClinVar:

NM_005529.7(HSPG2):c.12558C>T (p.Ser4186=)

Gene: HSPG2 (heparan sulfate proteoglycan 2; minus strand). Cytogenetic location: 1p36.12.
Variant type: single nucleotide variant.
Coding change: c.12558C>T on transcript NM_005529.7 (MANE Select); coding-DNA position 12558, C replaced by T.
Protein change: p.Ser4186=; no amino-acid change (serine 4186 retained).
Molecular consequence: synonymous variant.
Genome position (GRCh38, 1-based): chr1:21,827,894, G>A on the plus strand (C>T on the coding strand, the complement: HSPG2 is on the minus strand). VCF-style: chr1-21827894-G-A. GRCh37 (hg19) VCF-style: chr1-22154387-G-A.
Other names: c.12561C>T, p.Ser4187= (NM_001291860.2).
Identifiers: ClinVar variation 295705 (VCV000295705.32), dbSNP rs11552570, ClinGen allele CA669382.

ClinVar aggregate classification (germline): Benign/Likely benign. Review status: criteria provided, multiple submitters, no conflicts (2 of 4 stars). 8 submissions from 7 submitters: Benign (7); Likely benign (1). Last evaluated 2026-02-04.

Conditions:
Lethal Kniest-like syndrome (DDSH). Also called: Dyssegmental Dysplasia. Identifiers: Orphanet 1865, MedGen C1857100, MONDO:0009140, OMIM 224410.
Schwartz-Jampel syndrome. Also called: Myotonic myopathy dwarfism chondrodystrophy and ocular and facial abnormalities. Identifiers: Orphanet 800, MedGen C0036391, MONDO:0009717.
Connective tissue disorder. Also called: Connective tissue disease. Identifiers: MedGen C0009782, MONDO:0003900.

Allele frequency attached by ClinVar (database versions not stated): 1000 Genomes Project 30x 0.02717; 1000 Genomes Project 0.02915; TOPMed 0.03281; gnomAD 0.03296 and 0.03456; ESP Exome Variant Server 0.03501; gnomAD exomes 0.04042; ExAC 0.06986.
gnomAD v4.1: 78,308 of 1,596,140 alleles (4.9%); highest among the groups gnomAD compares: South Asian, 8.9%; 2,320 homozygotes.

Submissions (8):

Labcorp Genetics (formerly Invitae), Labcorp
Classification: Benign. Last evaluated: 2026-02-04. Review status: criteria provided, single submitter. Criteria: Invitae Variant Classification Sherloc (09022015). Collection method: clinical testing. Allele origin: germline.

ARUP Laboratories, Molecular Genetics and Genomics, ARUP Laboratories
Classification: Benign. Last evaluated: 2025-04-17. Review status: criteria provided, single submitter. Criteria: ARUP Molecular Germline Variant Investigation Process 2024. Collection method: clinical testing. Allele origin: germline.

Blueprint Genetics
Classification: Likely benign. Last evaluated: 2024-11-26. Review status: criteria provided, single submitter. Criteria: ACMG Guidelines, 2015. Collection method: clinical testing. Allele origin: germline.

Genome Diagnostics Laboratory, The Hospital for Sick Children
Classification: Benign for Connective tissue disorder. Last evaluated: 2021-12-04. Review status: criteria provided, single submitter. Criteria: ACMG Guidelines, 2015. Collection method: clinical testing. Allele origin: germline.

GeneDx
Classification: Benign. Last evaluated: 2018-08-25. Review status: criteria provided, single submitter. Criteria: GeneDx Variant Classification Process June 2021. Collection method: clinical testing. Allele origin: germline. Affected: yes.

Illumina Laboratory Services, Illumina
Classification: Benign for Lethal Kniest-like syndrome. Last evaluated: 2018-01-12. Review status: criteria provided, single submitter. Criteria: ICSL Variant Classification Criteria 13 December 2019. Collection method: clinical testing. Allele origin: germline.
Comment: This variant was observed in the ICSL laboratory as part of a predisposition screen in an ostensibly healthy population. It had not been previously curated by ICSL or reported in the Human Gene Mutation Database (HGMD: prior to June 1st, 2018), and was therefore a candidate for classification through an automated scoring system. Utilizing variant allele frequency, disease prevalence and penetrance estimates, and inheritance mode, an automated score was calculated to assess if this variant is too frequent to cause the disease. Based on the score and internal cut-off values, a variant classified as benign is not then subjected to further curation. The score for this variant resulted in a classification of benign for this disease.

Illumina Laboratory Services, Illumina
Classification: Benign for Schwartz-Jampel syndrome type 1. Last evaluated: 2018-01-12. Review status: criteria provided, single submitter. Criteria: ICSL Variant Classification Criteria 13 December 2019. Collection method: clinical testing. Allele origin: germline.
Comment: the same text as in the submission from Illumina Laboratory Services, Illumina above.

Breakthrough Genomics
Classification: Benign. Review status: criteria provided, single submitter. Criteria: ACMG Guidelines, 2015. Collection method: not provided. Allele origin: germline. Inheritance: Autosomal recessive inheritance. Affected: yes.